The following is an entry in ClinVar:

NM_000214.3(JAG1):c.2766C>T (p.Asp922=)

Gene: JAG1 (jagged canonical Notch ligand 1; minus strand). Cytogenetic location: 20p12.2.
Variant type: single nucleotide variant.
Coding change: c.2766C>T on transcript NM_000214.3 (MANE Select); coding-DNA position 2766, C replaced by T.
Protein change: p.Asp922=; no amino-acid change (aspartic acid 922 retained).
Molecular consequence: synonymous variant.
Genome position (GRCh38, 1-based): chr20:10,641,610, G>A on the plus strand (C>T on the coding strand, the complement: JAG1 is on the minus strand). VCF-style: chr20-10641610-G-A. GRCh37 (hg19) VCF-style: chr20-10622258-G-A.
Other names: p.Asp922=; c.2766C>T, p.Asp922= (LRG_1191t1).
Identifiers: ClinVar variation 213526 (VCV000213526.26), dbSNP rs2229895, ClinGen allele CA324717.
Genomic context (GRCh38, chr20:10,641,610, plus strand): 5'-CTGGAGACTGGAAGACCGACACTCGCCCACACCAGTGCAGGGGTGGACGAAGCACTGGTC[G>A]TCCAGGATGGGGATGCAGCTCTGCCCGCTGGGGCACTCGCTGTGCCCTTTGTGGAGCAGG-3'
Protein context (NP_000205.1, residues 912-932): PSGQSCIPIL[Asp922=]DQCFVHPCTG

ClinVar aggregate classification (germline): Benign. Review status: criteria provided, multiple submitters, no conflicts (2 of 4 stars). 9 submissions from 9 submitters: Benign (7). 2 of the submissions do not count toward it. Last evaluated 2026-02-03.

Conditions:
Cardiovascular phenotype. Identifiers: MedGen CN230736.
Alagille syndrome due to a JAG1 point mutation. Also called: HEPATIC DUCTULAR HYPOPLASIA, SYNDROMATIC; JAG1-Related Alagille Syndrome; Alagille Syndrome 1. Identifiers: Orphanet 261619, Orphanet 52, MedGen C1956125, MONDO:0016862, OMIM 118450.
Isolated Nonsyndromic Congenital Heart Disease.

Allele frequency attached by ClinVar (database versions not stated): gnomAD exomes 0.00423; ExAC 0.00511; 1000 Genomes Project 0.01478; 1000 Genomes Project 30x 0.01671; gnomAD 0.01701; TOPMed 0.01800; ESP Exome Variant Server 0.02030.
gnomAD v4.1: 5,179 of 1,614,060 alleles (0.32%); highest among the groups gnomAD compares: African/African-American, 5.6%; 129 homozygotes.

Submissions (9):

Labcorp Genetics (formerly Invitae), Labcorp
Classification: Benign for Alagille syndrome due to a JAG1 point mutation. Last evaluated: 2026-02-03. Review status: criteria provided, single submitter. Criteria: Invitae Variant Classification Sherloc (09022015). Collection method: clinical testing. Allele origin: germline.

Women's Health and Genetics/Laboratory Corporation of America, LabCorp
Classification: Benign. Last evaluated: 2024-08-27. Review status: criteria provided, single submitter. Criteria: LabCorp Variant Classification Summary - May 2015. Collection method: clinical testing. Allele origin: germline.

Mayo Clinic Laboratories, Mayo Clinic
Classification: Benign. Last evaluated: 2021-10-14. Review status: criteria provided, single submitter. Criteria: ACMG Guidelines, 2015. Collection method: clinical testing. Allele origin: germline. Observed: 16 variant alleles.

Illumina Laboratory Services, Illumina
Classification: Benign for Isolated Nonsyndromic Congenital Heart Disease. Last evaluated: 2018-01-13. Review status: criteria provided, single submitter. Criteria: ICSL Variant Classification Criteria 13 December 2019. Collection method: clinical testing. Allele origin: germline.
Comment: This variant was observed in the ICSL laboratory as part of a predisposition screen in an ostensibly healthy population. It had not been previously curated by ICSL or reported in the Human Gene Mutation Database (HGMD: prior to June 1st, 2018), and was therefore a candidate for classification through an automated scoring system. Utilizing variant allele frequency, disease prevalence and penetrance estimates, and inheritance mode, an automated score was calculated to assess if this variant is too frequent to cause the disease. Based on the score and internal cut-off values, a variant classified as benign is not then subjected to further curation. The score for this variant resulted in a classification of benign for this disease.

Ambry Genetics
Classification: Benign for Cardiovascular phenotype. Last evaluated: 2015-07-27. Review status: criteria provided, single submitter. Criteria: Ambry Variant Classification Scheme 2023. Collection method: clinical testing. Allele origin: germline.

Breakthrough Genomics
Classification: Benign. Review status: criteria provided, single submitter. Criteria: ACMG Guidelines, 2015. Collection method: not provided. Allele origin: germline. Inheritance: Autosomal dominant inheritance. Affected: yes.

PreventionGenetics, part of Exact Sciences
Classification: Benign. Review status: criteria provided, single submitter. Criteria: ACMG Guidelines, 2015. Collection method: clinical testing. Allele origin: germline.

Clinical Genetics DNA and cytogenetics Diagnostics Lab, Erasmus MC, Erasmus Medical Center
Classification: Benign. Review status: no assertion criteria provided. Collection method: clinical testing. Allele origin: germline. Affected: yes. Study: VKGL Data-share Consensus. Not counted in ClinVar's aggregate classification.

Clinical Genetics, Academic Medical Center
Classification: Benign. Review status: no assertion criteria provided. Collection method: clinical testing. Allele origin: germline. Affected: yes. Study: VKGL Data-share Consensus. Not counted in ClinVar's aggregate classification.